The following is an entry in ClinVar:

ClinVar aggregate classification (germline): Pathogenic (1 of 4 stars; one submission).

Conditions:
Nemaline myopathy 2 (NEM2). Also called: Nemaline myopathy 2, autosomal recessive. Identifiers: MedGen C1850569, MONDO:0009725, OMIM 256030.

Submission:

Labcorp Genetics (formerly Invitae), Labcorp
Classification: Pathogenic for Nemaline myopathy 2. Last evaluated: 2023-12-06. Review status: criteria provided, single submitter. Criteria: Invitae Variant Classification Sherloc (09022015). Collection method: clinical testing. Allele origin: germline.
Comment: This variant occurs in a region of NEB (Exons 82-105) consisting of three highly homologous 8-exon repeat units (exons 82-89, exons 90-97, exons 98-105). Sequence variants in this region can be detected, but this assay cannot determine which of the three repeat units is affected, and zygosity is often ambiguous. All variants in this region are reported relative to the exon 82-89 repeat. It is expected to result in an absent or disrupted protein product. Loss-of-function variants in NEB are known to be pathogenic (PMID: 25205138). The frequency data for this variant in the population databases (gnomAD) is considered unreliable due to the presence of homologous sequence, such as pseudogenes or paralogs, in the genome. This variant has not been reported in the literature in individuals affected with NEB-related conditions. For these reasons, this variant has been classified as Pathogenic.

Literature cited by the submitters: PubMed 25205138.

NM_001164508.2(NEB):c.12767dup (p.Tyr4256Ter)

Gene: NEB (nebulin; minus strand). Cytogenetic location: 2q23.3.
Variant type: Duplication.
Coding change: c.12767dup on transcript NM_001164508.2 (MANE Select); coding-DNA position 12767, one base duplicated (A; older notation c.12767dupA).
Protein change: p.Tyr4256Ter; replaces tyrosine 4256 with a stop codon.
Molecular consequence: nonsense. On other transcripts: intron variant (1).
Genome position (GRCh38, 1-based): chr2:151,604,852, T duplicated on the plus strand (A on the coding strand, the reverse complement: NEB is on the minus strand). VCF-style (leftmost placement, unchanged base first): chr2-151604851-G-GT. GRCh37 (hg19) VCF-style: chr2-152461365-G-GT.
Other names: c.12767dup, p.Tyr4256Ter (NM_001164507.2, NM_001271208.2); c.11601+4957dup (NM_004543.5); short protein forms Y4256*.
Identifiers: ClinVar variation 2699834 (VCV002699834.3), dbSNP rs2552224222, ClinGen allele CA2697551181.
Genomic context (GRCh38, chr2:151,604,851, plus strand): 5'-TACTGACTTGGGGTCATCTTGTAGGGTGCGGAAACCCATGTGGTGGCCCAGTTGCTTACG[G>GT]TAACCTTCTTTGTATTTGTACTAAAGTAGTAAGAAATCATATTAAAAAGACATATGAAAA-3'